The following is an entry in ClinVar:

ClinVar aggregate classification (germline): Benign. Review status: criteria provided, multiple submitters, no conflicts (2 of 4 stars). 2 submissions from 2 submitters: Benign (2). Last evaluated 2026-08-01.

Allele frequency attached by ClinVar (database versions not stated): 1000 Genomes Project 30x 0.01202; TOPMed 0.01232; gnomAD 0.01087; 1000 Genomes Project 0.01198.

Submissions (2):

CeGaT Center for Human Genetics Tuebingen
Classification: Benign. Last evaluated: 2026-08-01. Review status: criteria provided, single submitter. Criteria: CeGaT Center For Human Genetics Tuebingen Variant Classification Criteria Version 2. Collection method: clinical testing. Allele origin: germline. Affected: yes. Observed: 3 variant alleles.
Comment: VWF: BS1, BS2

ARUP Laboratories, Molecular Genetics and Genomics, ARUP Laboratories
Classification: Benign. Last evaluated: 2023-11-17. Review status: criteria provided, single submitter. Criteria: ARUP Molecular Germline Variant Investigation Process 2024. Collection method: clinical testing. Allele origin: germline.

NC_000012.12:g.6125082T>G

Gene: VWF (von Willebrand factor; minus strand). Cytogenetic location: 12p13.31.
Variant type: single nucleotide variant.
Genome position: GRCh38 VCF-style: chr12-6125082-T-G. GRCh37 (hg19) VCF-style: chr12-6234248-T-G.
Identifiers: ClinVar variation 2920808 (VCV002920808.15), dbSNP rs61750446, ClinGen allele CA232323182.
Genomic context (GRCh38, chr12:6,125,082, plus strand): 5'-CAATTTTGCTGCTGTGTTTGGAGGAAGGGGAGTACTAACACTTCCTATGCACCCCAGGTA[T>G]GAAGGATCCGGTCCTGGCCCTGACAAAAACAGTCCATTTGGATCCTGGCCAGGGTTGAAT-3'